The following is an entry in ClinVar:

ClinVar aggregate classification (germline): Likely benign. Review status: criteria provided, multiple submitters, no conflicts (2 of 4 stars). 4 submissions from 4 submitters: Likely benign (3). 1 of the submissions does not count toward it. Last evaluated 2025-10-01.

Conditions:
Hajdu-Cheney syndrome (HJCYS). Also called: ACROOSTEOLYSIS WITH OSTEOPOROSIS AND CHANGES IN SKULL AND MANDIBLE; Acroosteolysis dominant type; SERPENTINE FIBULA-POLYCYSTIC KIDNEY SYNDROME. Identifiers: Orphanet 955, MedGen C0917715, MONDO:0007057, OMIM 102500.
NOTCH2-related disorder. Also called: NOTCH2-related condition.
Alagille syndrome due to a NOTCH2 point mutation. Also called: Alagille syndrome 2. Identifiers: Orphanet 261629, Orphanet 52, MedGen C1857761, MONDO:0012439, OMIM 610205.

Allele frequency attached by ClinVar (database versions not stated): ExAC 0.00001; gnomAD exomes 0.00001 and 0.00004; gnomAD 0.00002; TOPMed 0.00002.
gnomAD v4.1: 59 of 1,613,838 alleles (0.0037%); highest among the groups gnomAD compares: Non-Finnish European, 0.0047%; no homozygotes.

Submissions (4):

Labcorp Genetics (formerly Invitae), Labcorp
Classification: Likely benign for Hajdu-Cheney syndrome. Last evaluated: 2025-10-01. Review status: criteria provided, single submitter. Criteria: Invitae Variant Classification Sherloc (09022015). Collection method: clinical testing. Allele origin: germline.

Blueprint Genetics
Classification: Likely benign. Last evaluated: 2024-11-14. Review status: criteria provided, single submitter. Criteria: ACMG Guidelines, 2015. Collection method: clinical testing. Allele origin: germline.

Fulgent Genetics
Classification: Likely benign for Hajdu-Cheney syndrome; Alagille syndrome due to a NOTCH2 point mutation. Last evaluated: 2021-11-03. Review status: criteria provided, single submitter. Criteria: ACMG Guidelines, 2015. Collection method: clinical testing. Allele origin: unknown.

PreventionGenetics, part of Exact Sciences
Classification: Likely benign for NOTCH2-related condition. Last evaluated: 2023-03-07. Review status: no assertion criteria provided. Collection method: clinical testing. Allele origin: germline. Not counted in ClinVar's aggregate classification.
Comment: This variant is classified as likely benign based on ACMG/AMP sequence variant interpretation guidelines (Richards et al. 2015 PMID: 25741868, with internal and published modifications).

NM_024408.4(NOTCH2):c.4998C>T (p.Val1666=)

Gene: NOTCH2 (notch receptor 2; minus strand). Cytogenetic location: 1p12.
Variant type: single nucleotide variant.
Coding change: c.4998C>T on transcript NM_024408.4 (MANE Select); coding-DNA position 4998, C replaced by T.
Protein change: p.Val1666=; no amino-acid change (valine 1666 retained).
Molecular consequence: synonymous variant.
Genome position (GRCh38, 1-based): chr1:119,922,640, G>A on the plus strand (C>T on the coding strand, the complement: NOTCH2 is on the minus strand). VCF-style: chr1-119922640-G-A. GRCh37 (hg19) VCF-style: chr1-120465263-G-A.
Other names: c.4998C>T (NM_024408.3).
Identifiers: ClinVar variation 1596662 (VCV001596662.12), dbSNP rs765967094, ClinGen allele CA1039753.